The following is an entry in ClinVar:

ClinVar aggregate classification (germline): Likely benign (1 of 4 stars; one submission).

gnomAD v4.1: 9 of 1,533,302 alleles (0.00059%); highest among the groups gnomAD compares: Admixed American, 0.0017%; no homozygotes.

Submission:

CeGaT Center for Human Genetics Tuebingen
Classification: Likely benign. Last evaluated: 2026-05-01. Review status: criteria provided, single submitter. Criteria: CeGaT Center For Human Genetics Tuebingen Variant Classification Criteria Version 2. Collection method: clinical testing. Allele origin: germline. Affected: yes. Observed: 1 variant allele.
Comment: ZNF66: BP4, BP7

NM_001355197.2(ZNF66):c.726T>A (p.Ser242=)

Gene: ZNF66 (zinc finger protein 66; plus strand). Cytogenetic location: 19p12.
Variant type: single nucleotide variant.
Coding change: c.726T>A on transcript NM_001355197.2 (MANE Select); coding-DNA position 726, T replaced by A.
Protein change: p.Ser242=; no amino-acid change (serine 242 retained).
Molecular consequence: synonymous variant.
Genome position (GRCh38, 1-based): chr19:20,806,326, T>A. VCF-style: chr19-20806326-T-A. GRCh37 (hg19) VCF-style: chr19-20989132-T-A.
Identifiers: ClinVar variation 4873043 (VCV004873043.2).
Genomic context (GRCh38, chr19:20,806,326, plus strand): 5'-TCATACTGGAGAGAAACGGTACAAATGTGAAGACTGTGGCAAAGCCTTTAACCGCTCCTC[T>A]AACCTTACTACACATAAGAAAATTCATACTGGAGAGAAACCCTACAAATGTGAAGAATGT-3'
Protein context (NP_001342126.2, residues 232-252): EDCGKAFNRS[Ser242=]NLTTHKKIHT